The following is an entry in ClinVar:

ClinVar aggregate classification (germline): Uncertain significance (1 of 4 stars; one submission).

Allele frequency attached by ClinVar (database versions not stated): gnomAD exomes below 0.00001.

Submission:

Labcorp Genetics (formerly Invitae), Labcorp
Classification: Uncertain significance. Last evaluated: 2022-08-06. Review status: criteria provided, single submitter. Criteria: Invitae Variant Classification Sherloc (09022015). Collection method: clinical testing. Allele origin: germline.
Comment: In summary, the available evidence is currently insufficient to determine the role of this variant in disease. Therefore, it has been classified as a Variant of Uncertain Significance. Algorithms developed to predict the effect of missense changes on protein structure and function output the following: SIFT: "Deleterious"; PolyPhen-2: "Possibly Damaging"; Align-GVGD: "Class C15". The phenylalanine amino acid residue is found in multiple mammalian species, which suggests that this missense change does not adversely affect protein function. This variant has not been reported in the literature in individuals affected with ANGPTL3-related conditions. This variant is not present in population databases (gnomAD no frequency). This sequence change replaces leucine, which is neutral and non-polar, with phenylalanine, which is neutral and non-polar, at codon 309 of the ANGPTL3 protein (p.Leu309Phe).

NM_014495.4(ANGPTL3):c.925C>T (p.Leu309Phe)

Genes: ANGPTL3 (angiopoietin like 3; plus strand), DOCK7 (dedicator of cytokinesis 7; minus strand). Cytogenetic location: 1p31.3.
Variant type: single nucleotide variant.
Coding change: c.925C>T on transcript NM_014495.4 (MANE Select); coding-DNA position 925, C replaced by T.
Protein change: p.Leu309Phe; replaces leucine 309 with phenylalanine.
Molecular consequence: missense variant. On other transcripts: intron variant (7).
Genome position (GRCh38, 1-based): chr1:62,602,374, C>T. VCF-style: chr1-62602374-C-T. GRCh37 (hg19) VCF-style: chr1-63068045-C-T.
Other names: c.1683-15750G>A (NM_001272001.2, NM_001272000.2, NM_033407.4 and 4 more transcripts); short protein forms L309F.
Identifiers: ClinVar variation 2000135 (VCV002000135.4), dbSNP rs2149537386, ClinGen allele CA340605084.
Genomic context (GRCh38, chr1:62,602,374, plus strand): 5'-ATAGATGGATCACAAAACTTCAATGAAACGTGGGAGAACTACAAATATGGTTTTGGGAGG[C>T]TTGATGGTAAGGGGACTACATTCAATCATTCATTCACTTGCTAATCTACAAATATTTACT-3'
Protein context (NP_055310.1, residues 299-319): WENYKYGFGR[Leu309Phe]DGEFWLGLEK